The following is an entry in ClinVar:

ClinVar aggregate classification (germline): Pathogenic/Likely pathogenic. Review status: criteria provided, multiple submitters, no conflicts (2 of 4 stars). 2 submissions from 2 submitters: Pathogenic (1); Likely pathogenic (1). Last evaluated 2024-06-10.

Conditions:
Bardet-Biedl syndrome 10 (BBS10). Identifiers: Orphanet 110, MedGen C1859568, MONDO:0014438, OMIM 615987.
Bardet-Biedl syndrome (BBS). Identifiers: Orphanet 110, MedGen C0752166, MONDO:0015229.

Submissions (2):

Natera, Inc.
Classification: Likely pathogenic for Bardet-Biedl syndrome type 10. Last evaluated: 2024-06-10. Review status: criteria provided, single submitter. Criteria: Natera Variant Classification Schema (03/2026). Collection method: clinical testing. Allele origin: germline.
Comment: The c.1556_1557del variant in BBS10 is a frameshift variant predicted to shift the reading frame beginning at codon 519 and leads to a stop codon 2 codons downstream. This variant is expected to result in nonsense mediated decay, truncation, or a dysfunctional protein product. This variant is rare in the general population with a frequency below the threshold expected for the associated phenotype(s). Given the available evidence, this variant is classified as Likely Pathogenic.

Labcorp Genetics (formerly Invitae), Labcorp
Classification: Pathogenic for Bardet-Biedl syndrome. Last evaluated: 2021-05-13. Review status: criteria provided, single submitter. Criteria: Invitae Variant Classification Sherloc (09022015). Collection method: clinical testing. Allele origin: germline.
Comment: This sequence change creates a premature translational stop signal (p.Thr519Serfs*2) in the BBS10 gene. While this is not anticipated to result in nonsense mediated decay, it is expected to disrupt the last 205 amino acid(s) of the BBS10 protein. This variant is not present in population databases (ExAC no frequency). This variant has not been reported in the literature in individuals with BBS10-related conditions. This variant disrupts the C-terminus of the BBS10 protein. Other variant(s) that disrupt this region (p.Val707*) have been determined to be pathogenic (PMID: 25982971, 22773737, 27486776, 20472660). This suggests that variants that disrupt this region of the protein are likely to be causative of disease. For these reasons, this variant has been classified as Pathogenic.

Literature cited by the submitters: PubMed 25982971 (cited by Labcorp Genetics (formerly Invitae), Labcorp); PubMed 22773737 (cited by Labcorp Genetics (formerly Invitae), Labcorp); PubMed 27486776 (cited by Labcorp Genetics (formerly Invitae), Labcorp); PubMed 20472660 (cited by Labcorp Genetics (formerly Invitae), Labcorp).

NM_024685.4(BBS10):c.1556_1557del (p.Thr519fs)

Gene: BBS10 (Bardet-Biedl syndrome 10; minus strand). Cytogenetic location: 12q21.2.
Variant type: Deletion.
Coding change: c.1556_1557del on transcript NM_024685.4 (MANE Select); coding-DNA positions 1556 to 1557, 2 bases deleted (CA; older notation c.1556_1557delCA).
Protein change: p.Thr519fs; shifts the reading frame from threonine 519.
Molecular consequence: frameshift variant.
Genome position (GRCh38, 1-based): chr12:76,346,428-76,346,429, TG deleted on the plus strand (CA on the coding strand, the reverse complement: BBS10 is on the minus strand); deleting any 2 consecutive bases within chr12:76,346,428-76,346,430 gives the same sequence; the c. name uses the placement nearest the transcript's 3' end. VCF-style (leftmost placement, unchanged base first): chr12-76346427-CTG-C. GRCh37 (hg19) VCF-style: chr12-76740207-CTG-C.
Other names: c.1556_1557del (NM_024685.3); short protein forms T519fs.
Identifiers: ClinVar variation 1380281 (VCV001380281.9), dbSNP rs2136090126, ClinGen allele CA2573148988.
Genomic context (GRCh38, chr12:76,346,427, plus strand): 5'-ATGGTTCATAATAATCAGTTAGCCTGTTTCTTTCCAAAGACAAACATGTCAGCGTTTCAA[CTG>C]TTTGGAATGTATCTGTTGGTGTCAGTGTGGGGGTTGAATACGGAATATATGTTTCTAATT-3'